The following is an entry in ClinVar:

NM_000719.7(CACNA1C):c.2693A>G (p.Asn898Ser)

Gene: CACNA1C (calcium voltage-gated channel subunit alpha1 C; plus strand). Cytogenetic location: 12p13.33.
Variant type: single nucleotide variant.
Coding change: c.2693A>G on transcript NM_000719.7 (MANE Select); coding-DNA position 2693, A replaced by G.
Protein change: p.Asn898Ser; replaces asparagine 898 with serine.
Molecular consequence: missense variant.
Genome position (GRCh38, 1-based): chr12:2,595,903, A>G. VCF-style: chr12-2595903-A-G. GRCh37 (hg19) VCF-style: chr12-2705069-A-G.
Other names: c.2693A>G, p.Asn898Ser (NM_001129827.2, NM_001129829.2, NM_001129830.3 and 18 more transcripts); c.2684A>G, p.Asn895Ser (NM_001129844.2); short protein forms N895S, N898S.
Identifiers: ClinVar variation 1018318 (VCV001018318.9), dbSNP rs2067955691, ClinGen allele CA383372431.

ClinVar aggregate classification (germline): Uncertain significance (1 of 4 stars; one submission).

Conditions:
Long QT syndrome (LQTS). Identifiers: MedGen C0023976, MeSH D008133, MONDO:0002442. Disease mechanism: loss of function. Inheritance: Various modes of inheritance.

Allele frequency attached by ClinVar (database versions not stated): gnomAD exomes below 0.00001.
gnomAD v4.1: 1 of 1,613,634 alleles (0.000062%); highest among the groups gnomAD compares: Non-Finnish European, 0.000085%; no homozygotes.

Submission:

Labcorp Genetics (formerly Invitae), Labcorp
Classification: Uncertain significance for Long QT syndrome. Last evaluated: 2022-09-01. Review status: criteria provided, single submitter. Criteria: Invitae Variant Classification Sherloc (09022015). Collection method: clinical testing. Allele origin: germline.
Comment: In summary, the available evidence is currently insufficient to determine the role of this variant in disease. Therefore, it has been classified as a Variant of Uncertain Significance. Algorithms developed to predict the effect of missense changes on protein structure and function are either unavailable or do not agree on the potential impact of this missense change (SIFT: "Deleterious"; PolyPhen-2: "Possibly Damaging"; Align-GVGD: "Class C0"). ClinVar contains an entry for this variant (Variation ID: 1018318). This variant has not been reported in the literature in individuals affected with CACNA1C-related conditions. This variant is not present in population databases (gnomAD no frequency). This sequence change replaces asparagine, which is neutral and polar, with serine, which is neutral and polar, at codon 898 of the CACNA1C protein (p.Asn898Ser).